The following is an entry in ClinVar:

ClinVar aggregate classification (germline): Pathogenic (1 of 4 stars; one submission).

Conditions:
Combined immunodeficiency due to LRBA deficiency. Also called: Common variable immunodeficiency 8, with autoimmunity. Identifiers: Orphanet 445018, MedGen C3553512, MONDO:0013863, OMIM 614700.

Allele frequency attached by ClinVar (database versions not stated): gnomAD exomes below 0.00001.
gnomAD v4.1: 2 of 1,604,446 alleles (0.00012%); highest among the groups gnomAD compares: Non-Finnish European, 0.000085%; no homozygotes.

Submission:

Labcorp Genetics (formerly Invitae), Labcorp
Classification: Pathogenic for Combined immunodeficiency due to LRBA deficiency. Last evaluated: 2020-06-09. Review status: criteria provided, single submitter. Criteria: Invitae Variant Classification Sherloc (09022015). Collection method: clinical testing. Allele origin: germline.
Comment: This sequence change creates a premature translational stop signal (p.Ser1277*) in the LRBA gene. It is expected to result in an absent or disrupted protein product. This variant is not present in population databases (ExAC no frequency). This variant has not been reported in the literature in individuals with LRBA-related conditions. Loss-of-function variants in LRBA are known to be pathogenic (PMID: 26206937, 26768763). For these reasons, this variant has been classified as Pathogenic.

Literature cited by the submitters: PubMed 26206937; PubMed 26768763.

NM_001364905.1(LRBA):c.3830C>G (p.Ser1277Ter)

Gene: LRBA (LPS responsive beige-like anchor protein; minus strand). Cytogenetic location: 4q31.3.
Variant type: single nucleotide variant.
Coding change: c.3830C>G on transcript NM_001364905.1 (MANE Select); coding-DNA position 3830, C replaced by G.
Protein change: p.Ser1277Ter; replaces serine 1277 with a stop codon.
Molecular consequence: nonsense.
Genome position (GRCh38, 1-based): chr4:150,850,898, G>C on the plus strand (C>G on the coding strand, the complement: LRBA is on the minus strand). VCF-style: chr4-150850898-G-C. GRCh37 (hg19) VCF-style: chr4-151772050-G-C.
Other names: c.3830C>G, p.Ser1277Ter (NM_001199282.3, NM_001367550.1, NM_006726.5); short protein forms S1277*.
Identifiers: ClinVar variation 1072918 (VCV001072918.2), dbSNP rs1319094744, ClinGen allele CA358456007.
Genomic context (GRCh38, chr4:150,850,898, plus strand): 5'-CTCCTTTGTCCATTAACTGCATCTGGTGCTATTCCTTGCCCTGGCTGCTCATGTTGCCTT[G>C]ATATCTAATACAGAAATTTAAAAAGTAATAAAATAGGTTCAACTTCAGCAGGAGGCTTTA-3'